The following is an entry in ClinVar:

NM_000329.3(RPE65):c.1520C>G (p.Ala507Gly)

Gene: RPE65 (retinoid isomerohydrolase RPE65; minus strand). Cytogenetic location: 1p31.3.
Variant type: single nucleotide variant.
Coding change: c.1520C>G on transcript NM_000329.3 (MANE Select); coding-DNA position 1520, C replaced by G.
Protein change: p.Ala507Gly; replaces alanine 507 with glycine.
Molecular consequence: missense variant.
Genome position (GRCh38, 1-based): chr1:68,429,858, G>C on the plus strand (C>G on the coding strand, the complement: RPE65 is on the minus strand). VCF-style: chr1-68429858-G-C. GRCh37 (hg19) VCF-style: chr1-68895541-G-C.
Other names: c.1412C>G, p.Ala471Gly (NM_001406853.1); c.1244C>G, p.Ala415Gly (NM_001406856.1, NM_001406857.1); short protein forms A415G, A471G, A507G.
Identifiers: ClinVar variation 3751479 (VCV003751479.2).

ClinVar aggregate classification (germline): Uncertain significance (1 of 4 stars; one submission).

Conditions:
Retinitis pigmentosa 20 (RP20). Identifiers: Orphanet 791, MedGen C3151086, MONDO:0013425, OMIM 613794.
Leber congenital amaurosis 2 (LCA2). Also called: AMAUROSIS CONGENITA OF LEBER II; Autosomal Recessive RPE65-Related Retinal Degeneration. Identifiers: Orphanet 65, MedGen C1859844, MONDO:0008765, OMIM 204100. Disease mechanism: loss of function.

gnomAD v4.1: 13 of 1,613,816 alleles (0.00081%); highest among the groups gnomAD compares: Non-Finnish European, 0.0011%; no homozygotes.

Submission:

Labcorp Genetics (formerly Invitae), Labcorp
Classification: Uncertain significance for Leber congenital amaurosis 2; Retinitis pigmentosa 20. Last evaluated: 2024-12-07. Review status: criteria provided, single submitter. Criteria: Invitae Variant Classification Sherloc (09022015). Collection method: clinical testing. Allele origin: germline.
Comment: This sequence change replaces alanine, which is neutral and non-polar, with glycine, which is neutral and non-polar, at codon 507 of the RPE65 protein (p.Ala507Gly). This variant is not present in population databases (gnomAD no frequency). This variant has not been reported in the literature in individuals affected with RPE65-related conditions. Invitae Evidence Modeling of protein sequence and biophysical properties (such as structural, functional, and spatial information, amino acid conservation, physicochemical variation, residue mobility, and thermodynamic stability) indicates that this missense variant is not expected to disrupt RPE65 protein function with a negative predictive value of 80%. In summary, the available evidence is currently insufficient to determine the role of this variant in disease. Therefore, it has been classified as a Variant of Uncertain Significance.